The following is an entry in ClinVar:

NM_000215.4(JAK3):c.1569G>A (p.Trp523Ter)

Gene: JAK3 (Janus kinase 3; minus strand). Cytogenetic location: 19p13.11.
Variant type: single nucleotide variant.
Coding change: c.1569G>A on transcript NM_000215.4 (MANE Select); coding-DNA position 1569, G replaced by A.
Protein change: p.Trp523Ter; replaces tryptophan 523 with a stop codon.
Molecular consequence: nonsense.
Genome position (GRCh38, 1-based): chr19:17,838,263, C>T on the plus strand (G>A on the coding strand, the complement: JAK3 is on the minus strand). VCF-style: chr19-17838263-C-T. GRCh37 (hg19) VCF-style: chr19-17949072-C-T.
Other names: short protein forms W523*.
Identifiers: ClinVar variation 2780389 (VCV002780389.3), dbSNP rs1305851796, ClinGen allele CA404769737.
Genomic context (GRCh38, chr19:17,838,263, plus strand): 5'-ACGCATCTGAGTCTCTGGACCCCAGACTGAGGTATCGCCTCATTTCCCAGGGCCTCTTAC[C>T]CACTCCAGGCTGTCAGCAGGGATCTTGTGAAATGTCATCTGACTCAGCTGGTATTGGGAT-3'

ClinVar aggregate classification (germline): Pathogenic (1 of 4 stars; one submission).

Conditions:
T-B+ severe combined immunodeficiency due to JAK3 deficiency. Also called: SCID, T CELL-NEGATIVE, B CELL-POSITIVE, NK CELL-NEGATIVE; SCID, autosomal recessive, T-negative/B-positive type. Identifiers: Orphanet 35078, MedGen C1833275, MONDO:0010938, OMIM 600802.

Allele frequency attached by ClinVar (database versions not stated): TOPMed below 0.00001; gnomAD 0.00001.
gnomAD v4.1: 1 of 1,613,946 alleles (0.000062%); highest among the groups gnomAD compares: Non-Finnish European, 0.000085%; no homozygotes.

Submission:

Labcorp Genetics (formerly Invitae), Labcorp
Classification: Pathogenic for T-B+ severe combined immunodeficiency due to JAK3 deficiency. Last evaluated: 2024-02-14. Review status: criteria provided, single submitter. Criteria: Invitae Variant Classification Sherloc (09022015). Collection method: clinical testing. Allele origin: germline.
Comment: This sequence change creates a premature translational stop signal (p.Trp523*) in the JAK3 gene. It is expected to result in an absent or disrupted protein product. Loss-of-function variants in JAK3 are known to be pathogenic (PMID: 7481768, 11668621). This variant is not present in population databases (gnomAD no frequency). This premature translational stop signal has been observed in individual(s) with clinical features of JAK3-related conditions (PMID: 16190968, 27593409). Algorithms developed to predict the effect of sequence changes on RNA splicing suggest that this variant may disrupt the consensus splice site. For these reasons, this variant has been classified as Pathogenic.

Literature cited by the submitters: PubMed 7481768; PubMed 11668621; PubMed 16190968; PubMed 27593409.